The following is an entry in ClinVar:

GRCh37/hg19 Xq25(chrX:122773699-123323939)x2

Genes: STAG2 (stromal antigen 2; plus strand), THOC2 (THO complex subunit 2; minus strand), XIAP (X-linked inhibitor of apoptosis; plus strand). Cytogenetic location: Xq25.
Variant type: copy number gain.
Change: copy number 2 of chrX:122,773,699-123,323,939 (550.2 kb, GRCh37 coordinates, 1-based), cytogenetic band Xq25.
Identifiers: ClinVar variation 1807854 (VCV001807854.1).

ClinVar aggregate classification (germline): Likely pathogenic (1 of 4 stars; one submission).

Submission:

Quest Diagnostics Nichols Institute San Juan Capistrano
Classification: Likely pathogenic. Last evaluated: 2022-01-17. Review status: criteria provided, single submitter. Criteria: ACMG/ClinGen CNV Guidelines, 2019. Collection method: clinical testing. Allele origin: unknown.
Comment: The Xq25 copy number gain includes the three OMIM annotated genes of THOC2 (partial duplication), XIAP, and STAG2. Xq25 duplications involving these genes have been identified in unrelated families whose affected members have intellectual disability, a distinctive facial phenotype, brain anomalies, and other clinical features (OMIM 300979; Kumar R et al. Hum Mol Genet. 2015 Dec20;24(25):7171-8: PMID: 26443594. Di Benedetto et al. Am J Med GenetA. 2014 Aug;164A(8):1923-30. PMID: 24733578). Furthermore, several ofthese publications propose that duplication of STAG2 and potential dysregulation of its downstream target genes may be responsible for the specific clinical findings of Xq25 duplications (Leroy et al.Clin Genet. 2016 Jan;89(1):68-73. PMID: 25677961; Yingjun et al. EurJ Med Genet. 2015 Feb;58(2):116-21. PMID: 25450604). Thus, the clinical significance of this CNV is interpreted as likely pathogenic.